The following is an entry in ClinVar:

ClinVar aggregate classification (germline): Pathogenic. Review status: criteria provided, multiple submitters, no conflicts (2 of 4 stars). 4 submissions from 4 submitters: Pathogenic (4). Last evaluated 2025-08-14.

Conditions:
Deficiency of acetyl-CoA acetyltransferase. Also called: 3-KETOTHIOLASE DEFICIENCY; 3-OXOTHIOLASE DEFICIENCY; Beta-ketothiolase deficiency; MITOCHONDRIAL ACETOACETYL-CoA THIOLASE DEFICIENCY. Identifiers: Orphanet 134, MedGen C1536500, MONDO:0008760, OMIM 203750. Disease mechanism: loss of function.

Allele frequency attached by ClinVar (database versions not stated): TOPMed 0.00001.

Submissions (4):

Natera, Inc.
Classification: Pathogenic for Alpha-methylacetoacetic aciduria. Last evaluated: 2025-08-14. Review status: criteria provided, single submitter. Criteria: Natera Variant Classification Schema (03/2026). Collection method: clinical testing. Allele origin: germline.
Comment: The c.286C>T variant in ACAT1 is a nonsense variant predicted to introduce a stop codon at amino acid 96. This variant is expected to result in nonsense mediated decay, truncation, or a dysfunctional protein product. This variant is rare in the general population with a frequency below the threshold expected for the associated phenotype(s). This variant has been observed in one or more individuals affected with the associated recessive disease, as either homozygous or compound heterozygous with a second variant (PMID: 21669895). Given the available evidence, this variant is classified as Pathogenic.

Labcorp Genetics (formerly Invitae), Labcorp
Classification: Pathogenic for Deficiency of acetyl-CoA acetyltransferase. Last evaluated: 2023-07-29. Review status: criteria provided, single submitter. Criteria: Invitae Variant Classification Sherloc (09022015). Collection method: clinical testing. Allele origin: germline.
Comment: This sequence change creates a premature translational stop signal (p.Gln96*) in the ACAT1 gene. It is expected to result in an absent or disrupted protein product. Loss-of-function variants in ACAT1 are known to be pathogenic (PMID: 7749408). This variant is not present in population databases (gnomAD no frequency). This premature translational stop signal has been observed in individual(s) with mitochondrial acetoacetyl-coenzyme A deficiency (PMID: 21669895). For these reasons, this variant has been classified as Pathogenic. ClinVar contains an entry for this variant (Variation ID: 666471).

Mendelics
Classification: Pathogenic for Deficiency of acetyl-CoA acetyltransferase. Last evaluated: 2019-05-28. Review status: criteria provided, single submitter. Criteria: Mendelics Assertion Criteria 2017. Collection method: clinical testing. Allele origin: unknown.

Department of Pediatrics, Gifu University
Classification: Pathogenic for Deficiency of acetyl-CoA acetyltransferase. Last evaluated: 2019-05-05. Review status: criteria provided, single submitter. Criteria: ACMG Guidelines, 2015. Collection method: literature only. Allele origin: germline. Affected: yes. Observed: 1 variant allele.

Literature cited by the submitters: PubMed 21669895 (cited by Natera, Inc. and Labcorp Genetics (formerly Invitae), Labcorp); PubMed 7749408 (cited by Labcorp Genetics (formerly Invitae), Labcorp); PubMed 31268215 (cited by Department of Pediatrics, Gifu University).

NM_000019.4(ACAT1):c.286C>T (p.Gln96Ter)

Gene: ACAT1 (acetyl-CoA acetyltransferase 1; plus strand). Cytogenetic location: 11q22.3.
Variant type: single nucleotide variant.
Coding change: c.286C>T on transcript NM_000019.4 (MANE Select); coding-DNA position 286, C replaced by T.
Protein change: p.Gln96Ter; replaces glutamine 96 with a stop codon.
Molecular consequence: nonsense.
Genome position (GRCh38, 1-based): chr11:108,134,268, C>T. VCF-style: chr11-108134268-C-T. GRCh37 (hg19) VCF-style: chr11-108004995-C-T.
Other names: short protein forms Q96*.
Identifiers: ClinVar variation 666471 (VCV000666471.6), dbSNP rs1233969418, ClinGen allele CA382506564.